The following is an entry in ClinVar:

ClinVar aggregate classification (germline): Uncertain significance (1 of 4 stars; one submission).

Allele frequency attached by ClinVar (database versions not stated): gnomAD 0.00005; TOPMed 0.00009; ExAC 0.00008.
gnomAD v4.1: 74 of 1,613,944 alleles (0.0046%); highest among the groups gnomAD compares: Middle Eastern, 0.049%; no homozygotes.

Submission:

Labcorp Genetics (formerly Invitae), Labcorp
Classification: Uncertain significance. Last evaluated: 2025-06-11. Review status: criteria provided, single submitter. Criteria: Invitae Variant Classification Sherloc (09022015). Collection method: clinical testing. Allele origin: germline.
Comment: This sequence change affects codon 432 of the APPL1 mRNA. It is a 'silent' change, meaning that it does not change the encoded amino acid sequence of the APPL1 protein. This variant is present in population databases (rs761918738, gnomAD 0.03%). This variant has not been reported in the literature in individuals affected with APPL1-related conditions. ClinVar contains an entry for this variant (Variation ID: 2721788). Algorithms developed to predict the effect of sequence changes on RNA splicing suggest that this variant may disrupt the consensus splice site. In summary, the available evidence is currently insufficient to determine the role of this variant in disease. Therefore, it has been classified as a Variant of Uncertain Significance.

NM_012096.3(APPL1):c.1296A>G (p.Gly432=)

Gene: APPL1 (adaptor protein, phosphotyrosine interacting with PH domain and leucine zipper 1; plus strand). Cytogenetic location: 3p14.3.
Variant type: single nucleotide variant.
Coding change: c.1296A>G on transcript NM_012096.3 (MANE Select); coding-DNA position 1296, A replaced by G.
Protein change: p.Gly432=; no amino-acid change (glycine 432 retained).
Molecular consequence: synonymous variant.
Genome position (GRCh38, 1-based): chr3:57,257,294, A>G. VCF-style: chr3-57257294-A-G. GRCh37 (hg19) VCF-style: chr3-57291322-A-G.
Identifiers: ClinVar variation 2721788 (VCV002721788.3), dbSNP rs761918738, ClinGen allele CA2463783.
Genomic context (GRCh38, chr3:57,257,294, plus strand): 5'-TTTTATGCTTAGACAATCTCGGCCACCGACAGCTCGAACCAGCAGTTCAGGATCCTTAGG[A>G]TCTGAGTCTACAAATTTGGCTGCCCTCTCTCTAGATTCTCTTGTTGCCCCAGACACCCCA-3'
Protein context (NP_036228.1, residues 422-442): TARTSSSGSL[Gly432=]SESTNLAALS